The following is an entry in ClinVar:

NM_018051.5(DYNC2I1):c.986G>A (p.Arg329Gln)

Gene: DYNC2I1 (dynein 2 intermediate chain 1; plus strand). Cytogenetic location: 7q36.3.
Variant type: single nucleotide variant.
Coding change: c.986G>A on transcript NM_018051.5 (MANE Select); coding-DNA position 986, G replaced by A.
Protein change: p.Arg329Gln; replaces arginine 329 with glutamine.
Molecular consequence: missense variant. On other transcripts: 5 prime UTR variant (3).
Genome position (GRCh38, 1-based): chr7:158,887,071, G>A. VCF-style: chr7-158887071-G-A. GRCh37 (hg19) VCF-style: chr7-158679762-G-A.
Other names: c.986G>A (NM_018051.4); c.848G>A, p.Arg283Gln (NM_001350914.2); c.413G>A, p.Arg138Gln (NM_001350915.2); c.-373G>A (NM_001350916.2); c.-381G>A (NM_001350917.2); c.-500G>A (NM_001350918.2); short protein forms R138Q, R283Q, R329Q.
Identifiers: ClinVar variation 1680658 (VCV001680658.7), dbSNP rs777602096, ClinGen allele CA4594472.

ClinVar aggregate classification (germline): Uncertain significance. Review status: criteria provided, multiple submitters, no conflicts (2 of 4 stars). 2 submissions from 2 submitters: Uncertain significance (2). Last evaluated 2023-12-06.

Conditions:
Short-rib thoracic dysplasia 8 with or without polydactyly (SRTD8). Also called: SHORT-RIB THORACIC DYSPLASIA 8 WITH POLYDACTYLY. Identifiers: Orphanet 93271, MedGen C3809691, MONDO:0014214, OMIM 615503.
Inborn genetic diseases. Identifiers: MedGen C0950123, MeSH D030342.

Allele frequency attached by ClinVar (database versions not stated): gnomAD exomes 0.00001 and 0.00002; ExAC 0.00002; gnomAD 0.00003 and 0.00004; TOPMed 0.00003.
gnomAD v4.1: 23 of 1,613,492 alleles (0.0014%); highest among the groups gnomAD compares: African/African-American, 0.0053%; no homozygotes.

Submissions (2):

Labcorp Genetics (formerly Invitae), Labcorp
Classification: Uncertain significance for Short-rib thoracic dysplasia 8 with or without polydactyly. Last evaluated: 2023-12-06. Review status: criteria provided, single submitter. Criteria: Invitae Variant Classification Sherloc (09022015). Collection method: clinical testing. Allele origin: germline.
Comment: This sequence change replaces arginine, which is basic and polar, with glutamine, which is neutral and polar, at codon 329 of the WDR60 protein (p.Arg329Gln). This variant is present in population databases (rs777602096, gnomAD 0.01%). This variant has not been reported in the literature in individuals affected with WDR60-related conditions. ClinVar contains an entry for this variant (Variation ID: 1680658). Algorithms developed to predict the effect of missense changes on protein structure and function output the following: SIFT: "Not Available"; PolyPhen-2: "Benign"; Align-GVGD: "Not Available". The glutamine amino acid residue is found in multiple mammalian species, which suggests that this missense change does not adversely affect protein function. In summary, the available evidence is currently insufficient to determine the role of this variant in disease. Therefore, it has been classified as a Variant of Uncertain Significance.

Ambry Genetics
Classification: Uncertain significance for Inborn genetic diseases. Last evaluated: 2021-12-03. Review status: criteria provided, single submitter. Criteria: Ambry Variant Classification Scheme 2023. Collection method: clinical testing. Allele origin: germline.